The following is an entry in ClinVar:

ClinVar aggregate classification (germline): Uncertain significance. Review status: criteria provided, multiple submitters, no conflicts (2 of 4 stars). 7 submissions from 7 submitters: Uncertain significance (7). Last evaluated 2025-10-02.

Conditions:
Epidermolysis bullosa simplex with nail dystrophy (EBS5D). Identifiers: MedGen C4225309, MONDO:0014661, OMIM 616487.
Epidermolysis bullosa simplex, Ogna type (EBS5A). Also called: Pidermolysis bullosa simplex 5A, Ogna type; EPIDERMOLYSIS BULLOSA SIMPLEX 5A, OGNA TYPE. Identifiers: Orphanet 79401, MedGen C0432317, MONDO:0007555, OMIM 131950.
Autosomal recessive limb-girdle muscular dystrophy type 2Q (LGMDR17). Also called: MUSCULAR DYSTROPHY, LIMB-GIRDLE, AUTOSOMAL RECESSIVE 17. Identifiers: Orphanet 254361, MedGen C3150989, MONDO:0013390, OMIM 613723.
Epidermolysis bullosa simplex 5B, with muscular dystrophy (EBS5B). Also called: Epidermolysis bullosa simplex with muscular dystrophy; EPIDERMOLYSIS BULLOSA SIMPLEX AND LIMB-GIRDLE MUSCULAR DYSTROPHY. Identifiers: Orphanet 257, MedGen C2931072, MONDO:0009181, OMIM 226670.
Epidermolysis bullosa simplex 5C, with pyloric atresia (EBS5C). Also called: PLEC-Related Epidermolysis Bullosa with Pyloric Atresia; PLEC1-Related Epidermolysis Bullosa with Pyloric Atresia; Epidermolysis bullosa simplex with pyloric atresia. Identifiers: Orphanet 158684, MedGen C2677349, MONDO:0012807, OMIM 612138.
PLEC-related disorder. Also called: PLEC-related condition; PLEC-related disorders.
Inborn genetic diseases. Identifiers: MedGen C0950123, MeSH D030342.

Allele frequency attached by ClinVar (database versions not stated): TOPMed 0.00008; gnomAD 0.00010 and 0.00011; gnomAD exomes 0.00013.
gnomAD v4.1: 212 of 1,586,710 alleles (0.013%); highest among the groups gnomAD compares: Middle Eastern, 0.017%; no homozygotes.

Submissions (7):

Labcorp Genetics (formerly Invitae), Labcorp
Classification: Uncertain significance for Autosomal recessive limb-girdle muscular dystrophy type 2Q; Epidermolysis bullosa simplex, Ogna type; Epidermolysis bullosa simplex with nail dystrophy; Epidermolysis bullosa simplex 5C, with pyloric atresia; Epidermolysis bullosa simplex 5B, with muscular dystrophy. Last evaluated: 2025-10-02. Review status: criteria provided, single submitter. Criteria: Invitae Variant Classification Sherloc (09022015). Collection method: clinical testing. Allele origin: germline.
Comment: This sequence change replaces arginine, which is basic and polar, with tryptophan, which is neutral and slightly polar, at codon 1181 of the PLEC protein (p.Arg1181Trp). This variant is present in population databases (rs782544250, gnomAD 0.02%). This variant has not been reported in the literature in individuals affected with PLEC-related conditions. ClinVar contains an entry for this variant (Variation ID: 378372). Invitae Evidence Modeling of protein sequence and biophysical properties (such as structural, functional, and spatial information, amino acid conservation, physicochemical variation, residue mobility, and thermodynamic stability) indicates that this missense variant is not expected to disrupt PLEC protein function with a negative predictive value of 80%. In summary, the available evidence is currently insufficient to determine the role of this variant in disease. Therefore, it has been classified as a Variant of Uncertain Significance.

Ambry Genetics
Classification: Uncertain significance for Inborn genetic diseases. Last evaluated: 2025-01-18. Review status: criteria provided, single submitter. Criteria: Ambry Variant Classification Scheme 2023. Collection method: clinical testing. Allele origin: germline.

PreventionGenetics, part of Exact Sciences
Classification: Uncertain significance for PLEC-related condition. Last evaluated: 2024-12-11. Review status: criteria provided, single submitter. Criteria: ACMG Guidelines, 2015. Collection method: clinical testing. Allele origin: germline.
Comment: The PLEC c.3541C>T variant is predicted to result in the amino acid substitution p.Arg1181Trp. To our knowledge, this variant has not been reported in the literature. This variant is reported in 0.023% of alleles in individuals of European (Non-Finnish) descent in gnomAD. At this time, the clinical significance of this variant is uncertain due to the absence of conclusive functional and genetic evidence.

GeneDx
Classification: Uncertain significance. Last evaluated: 2024-11-24. Review status: criteria provided, single submitter. Criteria: GeneDx Variant Classification Process June 2021. Collection method: clinical testing. Allele origin: germline. Affected: yes.
Comment: In silico analysis supports that this missense variant has a deleterious effect on protein structure/function; Missense variant in a gene in which most reported pathogenic variants are truncating/loss of function; Has not been previously published as pathogenic or benign to our knowledge

Blueprint Genetics
Classification: Uncertain significance. Last evaluated: 2024-10-08. Review status: criteria provided, single submitter. Criteria: ACMG Guidelines, 2015. Collection method: clinical testing. Allele origin: germline.

Revvity Omics, Revvity
Classification: Uncertain significance. Last evaluated: 2020-12-11. Review status: criteria provided, single submitter. Criteria: ACMG Guidelines, 2015. Collection method: clinical testing. Allele origin: germline.

Eurofins Ntd Llc (ga)
Classification: Uncertain significance. Last evaluated: 2017-11-14. Review status: criteria provided, single submitter. Criteria: EGL Classification Definitions 2015. Collection method: clinical testing. Allele origin: germline. Observed: 3 variant alleles, 3 heterozygotes.

NM_201384.3(PLEC):c.3460C>T (p.Arg1154Trp)

Gene: PLEC (plectin; minus strand). Cytogenetic location: 8q24.3.
Variant type: single nucleotide variant.
Coding change: c.3460C>T on transcript NM_201384.3 (MANE Select); coding-DNA position 3460, C replaced by T.
Protein change: p.Arg1154Trp; replaces arginine 1154 with tryptophan.
Molecular consequence: missense variant.
Genome position (GRCh38, 1-based): chr8:143,927,706, G>A on the plus strand (C>T on the coding strand, the complement: PLEC is on the minus strand). VCF-style: chr8-143927706-G-A. GRCh37 (hg19) VCF-style: chr8-145001874-G-A.
Other names: c.3541C>T, p.Arg1181Trp (NM_000445.5); c.3418C>T, p.Arg1140Trp (NM_201378.4); c.3394C>T, p.Arg1132Trp (NM_201379.3); c.3871C>T, p.Arg1291Trp (NM_201380.4); c.3364C>T, p.Arg1122Trp (NM_201381.3); c.3460C>T, p.Arg1154Trp (NM_201382.4); c.3472C>T, p.Arg1158Trp (NM_201383.3); short protein forms R1122W, R1132W, R1140W, R1154W, R1158W, R1181W, R1291W.
Identifiers: ClinVar variation 378372 (VCV000378372.27), dbSNP rs782544250, ClinGen allele CA4927057.